The following is an entry in ClinVar:

ClinVar aggregate classification (germline): Benign/Likely benign. Review status: criteria provided, multiple submitters, no conflicts (2 of 4 stars). 3 submissions from 3 submitters: Benign (2); Likely benign (1). Last evaluated 2026-01-28.

Allele frequency attached by ClinVar (database versions not stated): gnomAD exomes 0.00008 and 0.00024; ExAC 0.00028; 1000 Genomes Project 0.00060; 1000 Genomes Project 30x 0.00062; gnomAD 0.00076 and 0.00086; TOPMed 0.00107; ESP Exome Variant Server 0.00108.
gnomAD v4.1: 242 of 1,614,118 alleles (0.015%); highest among the groups gnomAD compares: African/African-American, 0.29%; no homozygotes.

Submissions (3):

Labcorp Genetics (formerly Invitae), Labcorp
Classification: Benign. Last evaluated: 2026-01-28. Review status: criteria provided, single submitter. Criteria: Invitae Variant Classification Sherloc (09022015). Collection method: clinical testing. Allele origin: germline.

Blueprint Genetics
Classification: Likely benign. Last evaluated: 2024-06-10. Review status: criteria provided, single submitter. Criteria: ACMG Guidelines, 2015. Collection method: clinical testing. Allele origin: germline.

Women's Health and Genetics/Laboratory Corporation of America, LabCorp
Classification: Benign. Last evaluated: 2023-11-30. Review status: criteria provided, single submitter. Criteria: LabCorp Variant Classification Summary - May 2015. Collection method: clinical testing. Allele origin: germline.
Comment: Variant summary: HPS4 c.133-12C>T alters a non-conserved nucleotide located at a position not widely known to affect splicing. Consensus agreement among computation tools predict no significant impact on normal splicing. However, these predictions have yet to be confirmed by functional studies. The variant allele was found at a frequency of 0.00024 in 251412 control chromosomes, predominantly at a frequency of 0.0031 within the African or African-American subpopulation in the gnomAD database. The observed variant frequency within African or African-American control individuals in the gnomAD database is approximately 6 fold of the estimated maximal expected allele frequency for a pathogenic variant in HPS4 causing Hermansky-Pudlak Syndrome phenotype (0.00052), strongly suggesting that the variant is a benign polymorphism found primarily in populations of African or African-American origin. To our knowledge, no occurrence of c.133-12C>T in individuals affected with Hermansky-Pudlak Syndrome and no experimental evidence demonstrating its impact on protein function have been reported. One submitter has reported clinical-significance assessments for this variant to ClinVar after 2014 and has classified the variant as benign. Based on the evidence outlined above, the variant was classified as benign.

NM_022081.6(HPS4):c.133-12C>T

Gene: HPS4 (HPS4 biogenesis of lysosomal organelles complex 3 subunit 2; minus strand). Cytogenetic location: 22q12.1.
Variant type: single nucleotide variant.
Coding change: c.133-12C>T on transcript NM_022081.6 (MANE Select); 12 bases into the intron before coding-DNA position 133, C replaced by T.
Molecular consequence: intron variant.
Genome position (GRCh38, 1-based): chr22:26,477,148, G>A on the plus strand (C>T on the coding strand, the complement: HPS4 is on the minus strand). VCF-style: chr22-26477148-G-A. GRCh37 (hg19) VCF-style: chr22-26873114-G-A.
Other names: c.133-12C>T (NM_001349905.1, NM_001349904.2, NM_001349902.1 and 6 more transcripts); c.118-12C>T (NM_152841.2).
Identifiers: ClinVar variation 1542202 (VCV001542202.10), dbSNP rs199691721, ClinGen allele CA10163807.